The following is an entry in ClinVar:

NM_001927.4(DES):c.556G>T (p.Asp186Tyr)

Gene: DES (desmin; plus strand). Cytogenetic location: 2q35.
Variant type: single nucleotide variant.
Coding change: c.556G>T on transcript NM_001927.4 (MANE Select); coding-DNA position 556, G replaced by T.
Protein change: p.Asp186Tyr; replaces aspartic acid 186 with tyrosine.
Molecular consequence: missense variant.
Genome position (GRCh38, 1-based): chr2:219,419,018, G>T. VCF-style: chr2-219419018-G-T. GRCh37 (hg19) VCF-style: chr2-220283740-G-T.
Other names: c.556G>T (LRG_380t1); short protein forms D186Y.
Identifiers: ClinVar variation 239078 (VCV000239078.11), dbSNP rs878854473, ClinGen allele CA10581949.

ClinVar aggregate classification (germline): Uncertain significance (1 of 4 stars; one submission).

Conditions:
Desmin-related myofibrillar myopathy (MFM1). Also called: Myofibrillar myopathy 1; Desminopathy; Desmin related myopathy (former name); Desmin storage myopathy (former name); MYOFIBRILLAR MYOPATHY WITH ARRHYTHMOGENIC RIGHT VENTRICULAR CARDIOMYOPATHY; DESMIN-RELATED MYOPATHY WITH ARRHYTHMOGENIC RIGHT VENTRICULAR CARDIOMYOPATHY. Identifiers: Orphanet 363543, Orphanet 98909, MedGen C1832370, MONDO:0011076, OMIM 601419.

Submission:

Labcorp Genetics (formerly Invitae), Labcorp
Classification: Uncertain significance for Desmin-related myofibrillar myopathy. Last evaluated: 2019-01-10. Review status: criteria provided, single submitter. Criteria: Invitae Variant Classification Sherloc (09022015). Collection method: clinical testing. Allele origin: germline.
Comment: This variant is not present in population databases (ExAC no frequency). This sequence change replaces aspartic acid with tyrosine at codon 186 of the DES protein (p.Asp186Tyr). The aspartic acid residue is highly conserved and there is a large physicochemical difference between aspartic acid and tyrosine. In summary, the available evidence is currently insufficient to determine the role of this variant in disease. Therefore, it has been classified as a Variant of Uncertain Significance. Algorithms developed to predict the effect of missense changes on protein structure and function (SIFT, PolyPhen-2, Align-GVGD) all suggest that this variant is likely to be disruptive, but these predictions have not been confirmed by published functional studies and their clinical significance is uncertain. This variant has not been reported in the literature in individuals with DES-related conditions. ClinVar contains an entry for this variant (Variation ID: 239078).